The following is an entry in ClinVar:

NM_001128840.3(CACNA1D):c.5015G>A (p.Arg1672Gln)

Gene: CACNA1D (calcium voltage-gated channel subunit alpha1 D; plus strand). Cytogenetic location: 3p21.1.
Variant type: single nucleotide variant.
Coding change: c.5015G>A on transcript NM_001128840.3 (MANE Select); coding-DNA position 5015, G replaced by A.
Protein change: p.Arg1672Gln; replaces arginine 1672 with glutamine.
Molecular consequence: missense variant.
Genome position (GRCh38, 1-based): chr3:53,800,340, G>A. VCF-style: chr3-53800340-G-A. GRCh37 (hg19) VCF-style: chr3-53834367-G-A.
Other names: c.5075G>A, p.Arg1692Gln (NM_000720.4); c.4970G>A, p.Arg1657Gln (NM_001128839.3); short protein forms R1692Q, R1657Q, R1672Q.
Identifiers: ClinVar variation 504808 (VCV000504808.12), dbSNP rs148898845, ClinGen allele CA2455056.

ClinVar aggregate classification (germline): Uncertain significance. Review status: criteria provided, multiple submitters, no conflicts (2 of 4 stars). 5 submissions from 5 submitters: Uncertain significance (5). Last evaluated 2025-12-19.

Conditions:
Inborn genetic diseases. Identifiers: MedGen C0950123, MeSH D030342.

Allele frequency attached by ClinVar (database versions not stated): gnomAD exomes 0.00002 and 0.00003; ESP Exome Variant Server 0.00008; TOPMed 0.00001; ExAC 0.00002.
gnomAD v4.1: 38 of 1,611,900 alleles (0.0024%); highest among the groups gnomAD compares: Middle Eastern, 0.28%; 1 homozygote.

Submissions (5):

Labcorp Genetics (formerly Invitae), Labcorp
Classification: Uncertain significance. Last evaluated: 2025-12-19. Review status: criteria provided, single submitter. Criteria: Invitae Variant Classification Sherloc (09022015). Collection method: clinical testing. Allele origin: germline.
Comment: This sequence change replaces arginine, which is basic and polar, with glutamine, which is neutral and polar, at codon 1692 of the CACNA1D protein (p.Arg1692Gln). This variant is present in population databases (rs148898845, gnomAD 0.01%). This variant has not been reported in the literature in individuals affected with CACNA1D-related conditions. ClinVar contains an entry for this variant (Variation ID: 504808). An algorithm developed to predict the effect of missense changes on protein structure and function outputs the following: PolyPhen-2: "Benign". The glutamine amino acid residue is found in multiple mammalian species, which suggests that this missense change does not adversely affect protein function. In summary, the available evidence is currently insufficient to determine the role of this variant in disease. Therefore, it has been classified as a Variant of Uncertain Significance.

Ambry Genetics
Classification: Uncertain significance for Inborn genetic diseases. Last evaluated: 2024-12-14. Review status: criteria provided, single submitter. Criteria: Ambry Variant Classification Scheme 2023. Collection method: clinical testing. Allele origin: germline.

Blueprint Genetics
Classification: Uncertain significance. Last evaluated: 2022-11-16. Review status: criteria provided, single submitter. Criteria: ACMG Guidelines, 2015. Collection method: clinical testing. Allele origin: germline.

Laboratory for Molecular Medicine, Mass General Brigham Personalized Medicine
Classification: Uncertain significance. Last evaluated: 2016-04-21. Review status: criteria provided, single submitter. Criteria: LMM Criteria. Collection method: clinical testing. Allele origin: germline. Observed: 1 variant allele.
Comment: Variant classified as Uncertain Significance - Favor Benign. The p.Arg1692Gln va riant in CACNA1D has not been previously reported in individuals with hearing lo ss, but has been identified in 1/16512 South Asian chromosomes and 1/11576 Latin o chromosomes by the Exome Aggregation Consortium (ExAC; dbSNP rs148898845). Arginine (Arg) at position 1692 is not conserved in mammals or evolutionarily distant species and 2 mammals (opossum and Tasmanian devil) carry a glutamine (Gln) at this position, supporting that this change may be tolerated. In summary, while the clinical significance of the p.Arg1692Gln variant is uncertain, these data suggest that it is more likely to be benign.

Breakthrough Genomics
Classification: Uncertain significance. Review status: criteria provided, single submitter. Criteria: ACMG Guidelines, 2015. Collection method: not provided. Allele origin: germline. Inheritance: Autosomal recessive inheritance. Affected: yes.